The following is an entry in ClinVar:

ClinVar aggregate classification (germline): Uncertain significance (1 of 4 stars; one submission).

Conditions:
Mendelian susceptibility to mycobacterial diseases due to complete ISG15 deficiency. Also called: IMMUNODEFICIENCY 38, MYCOBACTERIOSIS, AUTOSOMAL RECESSIVE; ISG15 DEFICIENCY, AUTOSOMAL RECESSIVE; Immunodeficiency 38 with basal ganglia calcification; Immunodeficiency 38. Identifiers: Orphanet 319563, MedGen C4015293, MONDO:0014502, OMIM 616126.

Allele frequency attached by ClinVar (database versions not stated): gnomAD 0.00001; TOPMed 0.00001; ExAC 0.00003.

Submission:

Labcorp Genetics (formerly Invitae), Labcorp
Classification: Uncertain significance for Mendelian susceptibility to mycobacterial diseases due to complete ISG15 deficiency. Last evaluated: 2022-08-13. Review status: criteria provided, single submitter. Criteria: Invitae Variant Classification Sherloc (09022015). Collection method: clinical testing. Allele origin: germline.
Comment: This sequence change replaces glycine, which is neutral and non-polar, with arginine, which is basic and polar, at codon 163 of the ISG15 protein (p.Gly163Arg). This variant is present in population databases (rs778142785, gnomAD 0.007%). This variant has not been reported in the literature in individuals affected with ISG15-related conditions. Algorithms developed to predict the effect of missense changes on protein structure and function output the following: SIFT: "Deleterious"; PolyPhen-2: "Benign"; Align-GVGD: "Class C0". The arginine amino acid residue is found in multiple mammalian species, which suggests that this missense change does not adversely affect protein function. In summary, the available evidence is currently insufficient to determine the role of this variant in disease. Therefore, it has been classified as a Variant of Uncertain Significance.

NM_005101.4(ISG15):c.487G>A (p.Gly163Arg)

Gene: ISG15 (ISG15 ubiquitin like modifier; plus strand). Cytogenetic location: 1p36.33.
Variant type: single nucleotide variant.
Coding change: c.487G>A on transcript NM_005101.4 (MANE Select); coding-DNA position 487, G replaced by A.
Protein change: p.Gly163Arg; replaces glycine 163 with arginine.
Molecular consequence: missense variant.
Genome position (GRCh38, 1-based): chr1:1,014,467, G>A. VCF-style: chr1-1014467-G-A. GRCh37 (hg19) VCF-style: chr1-949847-G-A.
Other names: short protein forms G163R.
Identifiers: ClinVar variation 2190579 (VCV002190579.1), dbSNP rs778142785, ClinGen allele CA507730.
Genomic context (GRCh38, chr1:1,014,467, plus strand): 5'-AAGCCCCTGAGCACCGTGTTCATGAATCTGCGCCTGCGGGGAGGCGGCACAGAGCCTGGC[G>A]GGCGGAGCTAAGGGCCTCCACCAGCATCCGAGCAGGATCAAGGGCCGGAAATAAAGGCTG-3'
Protein context (NP_005092.1, residues 153-165): RLRGGGTEPG[Gly163Arg]RS